The following is an entry in ClinVar:

ClinVar aggregate classification (germline): Likely benign. Review status: criteria provided, multiple submitters, no conflicts (2 of 4 stars). 6 submissions from 6 submitters: Likely benign (6). Last evaluated 2026-09-01.

Conditions:
Dystonia 28, childhood-onset (DYT28). Also called: KMT2B-Related Dystonia (DYT-KMT2B). Identifiers: Orphanet 589618, MedGen C4310633, MONDO:0015004, OMIM 617284.
Intellectual developmental disorder, autosomal dominant 68 (MRD68). Also called: MENTAL RETARDATION, AUTOSOMAL DOMINANT 68. Identifiers: MedGen C5677008, MONDO:0030969, OMIM 619934.
KMT2B-related disorder. Also called: KMT2B-related condition; KMT2B-related disorders. Identifiers: MedGen CN381338.
Inborn genetic diseases. Identifiers: MedGen C0950123, MeSH D030342.

Allele frequency attached by ClinVar (database versions not stated): 1000 Genomes Project 0.00020; ExAC 0.00030; 1000 Genomes Project 30x 0.00031; TOPMed 0.00031; gnomAD 0.00038; ESP Exome Variant Server 0.00071.
gnomAD v4.1: 1,235 of 1,611,742 alleles (0.077%); highest among the groups gnomAD compares: Non-Finnish European, 0.1%; no homozygotes.

Submissions (6):

CeGaT Center for Human Genetics Tuebingen
Classification: Likely benign. Last evaluated: 2026-09-01. Review status: criteria provided, single submitter. Criteria: CeGaT Center For Human Genetics Tuebingen Variant Classification Criteria Version 2. Collection method: clinical testing. Allele origin: germline. Affected: yes. Observed: 1 variant allele.
Comment: KMT2B: BS2

Labcorp Genetics (formerly Invitae), Labcorp
Classification: Likely benign. Last evaluated: 2025-12-02. Review status: criteria provided, single submitter. Criteria: Invitae Variant Classification Sherloc (09022015). Collection method: clinical testing. Allele origin: germline.

PreventionGenetics, part of Exact Sciences
Classification: Likely benign for KMT2B-related condition. Last evaluated: 2025-08-19. Review status: criteria provided, single submitter. Criteria: ACMG Guidelines, 2015. Collection method: clinical testing. Allele origin: germline.
Comment: This variant is classified as likely benign based on ACMG/AMP sequence variant interpretation guidelines (Richards et al. 2015 PMID: 25741868, with internal and published modifications).

Blueprint Genetics
Classification: Likely benign. Last evaluated: 2024-09-09. Review status: criteria provided, single submitter. Criteria: ACMG Guidelines, 2015. Collection method: clinical testing. Allele origin: germline.

Ambry Genetics
Classification: Likely benign for Inborn genetic diseases. Last evaluated: 2022-05-04. Review status: criteria provided, single submitter. Criteria: Ambry Variant Classification Scheme 2023. Collection method: clinical testing. Allele origin: germline.

Department of Pathology and Laboratory Medicine, Sinai Health System
Classification: Likely benign for Dystonia 28, childhood-onset; Intellectual developmental disorder, autosomal dominant 68. Last evaluated: 2020-06-25. Review status: criteria provided, single submitter. Criteria: ACMG Guidelines, 2015. Collection method: research. Allele origin: germline.

NM_014727.3(KMT2B):c.2183G>A (p.Ser728Asn)

Gene: KMT2B (lysine methyltransferase 2B; plus strand). Cytogenetic location: 19q13.12.
Variant type: single nucleotide variant.
Coding change: c.2183G>A on transcript NM_014727.3 (MANE Select); coding-DNA position 2183, G replaced by A.
Protein change: p.Ser728Asn; replaces serine 728 with asparagine.
Molecular consequence: missense variant.
Genome position (GRCh38, 1-based): chr19:35,721,530, G>A. VCF-style: chr19-35721530-G-A. GRCh37 (hg19) VCF-style: chr19-36212432-G-A.
Other names: c.2183G>A (NM_014727.1, NM_014727.2); short protein forms S728N.
Identifiers: ClinVar variation 2044024 (VCV002044024.9), dbSNP rs201259737, ClinGen allele CA9384364.